The following is an entry in ClinVar:

ClinVar aggregate classification (germline): Likely pathogenic (1 of 4 stars; one submission).

gnomAD v4.1: 1 of 1,613,892 alleles (0.000062%); highest among the groups gnomAD compares: Non-Finnish European, 0.000085%; no homozygotes.

Submission:

Labcorp Genetics (formerly Invitae), Labcorp
Classification: Likely pathogenic. Last evaluated: 2025-12-11. Review status: criteria provided, single submitter. Criteria: Invitae Variant Classification Sherloc (09022015). Collection method: clinical testing. Allele origin: germline.
Comment: This sequence change affects a donor splice site in intron 8 of the ADAMTSL4 gene. It is expected to disrupt RNA splicing. Variants that disrupt the donor or acceptor splice site typically lead to a loss of protein function (PMID: 16199547), and loss-of-function variants in ADAMTSL4 are known to be pathogenic (PMID: 20564469, 28642162). This variant is present in population databases (rs780517182, gnomAD 0.0009%). This variant has not been reported in the literature in individuals affected with ADAMTSL4-related conditions. Algorithms developed to predict the effect of sequence changes on RNA splicing suggest that this variant may disrupt the consensus splice site. In summary, the currently available evidence indicates that the variant is pathogenic, but additional data are needed to prove that conclusively. Therefore, this variant has been classified as Likely Pathogenic.

Literature cited by the submitters: PubMed 16199547; PubMed 20564469; PubMed 28642162.

NM_019032.6(ADAMTSL4):c.1371+2T>C

Genes: ADAMTSL4 (ADAMTS like 4; plus strand), ADAMTSL4-AS2 (ADAMTSL4 antisense RNA 2; minus strand). Cytogenetic location: 1q21.2.
Variant type: single nucleotide variant.
Coding change: c.1371+2T>C on transcript NM_019032.6 (MANE Select); the canonical splice donor site of the intron after coding-DNA position 1371, T replaced by C.
Molecular consequence: splice donor variant.
Genome position (GRCh38, 1-based): chr1:150,555,567, T>C. VCF-style: chr1-150555567-T-C. GRCh37 (hg19) VCF-style: chr1-150528043-T-C.
Other names: c.1440+2T>C (NM_001288608.2, NM_001288607.2); c.1371+2T>C (NM_001378596.1, NM_025008.5).
Identifiers: ClinVar variation 4712964 (VCV004712964.1).